The following is an entry in ClinVar:

NM_001165963.4(SCN1A):c.3525T>G (p.Leu1175=)

Genes: SCN1A (sodium voltage-gated channel alpha subunit 1; minus strand), LOC102724058 (uncharacterized LOC102724058; plus strand). Cytogenetic location: 2q24.3.
Variant type: single nucleotide variant.
Coding change: c.3525T>G on transcript NM_001165963.4 (MANE Select); coding-DNA position 3525, T replaced by G.
Protein change: p.Leu1175=; no amino-acid change (leucine 1175 retained).
Molecular consequence: synonymous variant. On other transcripts: non-coding transcript variant (2).
Genome position (GRCh38, 1-based): chr2:166,015,632, A>C on the plus strand (T>G on the coding strand, the complement: SCN1A is on the minus strand). VCF-style: chr2-166015632-A-C. GRCh37 (hg19) VCF-style: chr2-166872142-A-C.
Other names: c.3441T>G, p.Leu1147= (NM_001165964.3, NM_001353957.2, NM_001353958.2); c.3525T>G, p.Leu1175= (NM_001202435.3, NM_001353948.2); c.3492T>G, p.Leu1164= (NM_001353949.2, NM_001353950.2, NM_001353951.2 and 2 more transcripts); c.3489T>G, p.Leu1163= (NM_001353954.2, NM_001353955.2); c.3438T>G, p.Leu1146= (NM_001353960.2); c.1083T>G, p.Leu361= (NM_001353961.2).
Identifiers: ClinVar variation 391523 (VCV000391523.10), dbSNP rs1057524122, ClinGen allele CA16603934.

ClinVar aggregate classification (germline): Likely benign. Review status: criteria provided, multiple submitters, no conflicts (2 of 4 stars). 2 submissions from 2 submitters: Likely benign (2). Last evaluated 2024-01-22.

Conditions:
Early-infantile DEE. Also called: Ohtahara syndrome; Early infantile epileptic encephalopathy; Early infantile epileptic encephalopathy with suppression bursts. Identifiers: Orphanet 1934, MedGen C0393706, MONDO:0800491.

Allele frequency attached by ClinVar (database versions not stated): gnomAD exomes below 0.00001; TOPMed below 0.00001; gnomAD 0.00001.
gnomAD v4.1: 5 of 1,612,664 alleles (0.00031%); highest among the groups gnomAD compares: Non-Finnish European, 0.00042%; no homozygotes.

Submissions (2):

Labcorp Genetics (formerly Invitae), Labcorp
Classification: Likely benign for Early-infantile DEE. Last evaluated: 2024-01-22. Review status: criteria provided, single submitter. Criteria: Invitae Variant Classification Sherloc (09022015). Collection method: clinical testing. Allele origin: germline.

GeneDx
Classification: Likely benign. Last evaluated: 2016-12-07. Review status: criteria provided, single submitter. Criteria: GeneDx Variant Classification (06012015). Collection method: clinical testing. Allele origin: germline. Affected: yes.
Comment: This variant is considered likely benign or benign based on one or more of the following criteria: it is a conservative change, it occurs at a poorly conserved position in the protein, it is predicted to be benign by multiple in silico algorithms, and/or has population frequency not consistent with disease.